The following is an entry in ClinVar:

ClinVar aggregate classification (germline): other (0 of 4 stars; one submission).

Conditions:
Familial colorectal cancer. Identifiers: MedGen CN280943, MONDO:0023113. Disease mechanism: loss of function.

Submission:

Systems Biology Platform Zhejiang California International NanoSystems Institute
Classification: other for Familial colorectal cancer. Review status: no assertion criteria provided. Collection method: not provided. Allele origin: unknown.
ClinVar note: Converted during submission from cancer to other.

NM_000038.6(APC):c.834+1163G>A

Gene: APC (APC regulator of WNT signaling pathway; plus strand). Cytogenetic location: 5q22.2.
Variant type: single nucleotide variant.
Coding change: c.834+1163G>A on transcript NM_000038.6 (MANE Select); 1163 bases into the intron after coding-DNA position 834, G replaced by A.
Molecular consequence: intron variant.
Genome position (GRCh38, 1-based): chr5:112,802,546, G>A. VCF-style: chr5-112802546-G-A. GRCh37 (hg19) VCF-style: chr5-112138243-G-A.
Other names: c.834+1163G>A (NM_001354895.2, NM_001127510.3, NM_001354896.2 and 1 more transcripts); c.864+1163G>A (NM_001354897.2, NM_001354902.2); c.780+1163G>A (NM_001127511.3); c.759+1163G>A (NM_001354898.2, NM_001354904.2); c.-202+1163G>A (NM_001354906.2); c.750+1163G>A (NM_001354899.2); c.657+1163G>A (NM_001354900.2, NM_001354901.2, NM_001354905.2).
Identifiers: ClinVar variation 83045 (VCV000083045.2), dbSNP rs75822880, ClinGen allele CA014589.